The following is an entry in ClinVar:

NM_004006.3(DMD):c.10068G>A (p.Met3356Ile)

Gene: DMD (dystrophin; minus strand). Cytogenetic location: Xp21.2.
Variant type: single nucleotide variant.
Coding change: c.10068G>A on transcript NM_004006.3 (MANE Select); coding-DNA position 10068, G replaced by A.
Protein change: p.Met3356Ile; replaces methionine 3356 with isoleucine.
Molecular consequence: missense variant.
Genome position (GRCh38, 1-based): chrX:31,180,388, C>T on the plus strand (G>A on the coding strand, the complement: DMD is on the minus strand). VCF-style: chrX-31180388-C-T. GRCh37 (hg19) VCF-style: chrX-31198505-C-T.
Other names: c.10044G>A, p.Met3348Ile (NM_000109.4); c.10056G>A, p.Met3352Ile (NM_004009.3); c.9699G>A, p.Met3233Ile (NM_004010.3); c.6045G>A, p.Met2015Ile (NM_004011.4); c.6036G>A, p.Met2012Ile (NM_004012.4); c.2688G>A, p.Met896Ile (NM_004013.3, NM_004020.4, NM_004021.3 and 2 more transcripts); c.1881G>A, p.Met627Ile (NM_004014.3); c.864G>A, p.Met288Ile (NM_004015.3, NM_004016.3, NM_004017.3 and 2 more transcripts); short protein forms M2012I, M3348I, M3356I, M896I, M2015I, M288I, M627I, M3233I.
Identifiers: ClinVar variation 1783903 (VCV001783903.2), dbSNP rs2519972941, ClinGen allele CA412653025.

ClinVar aggregate classification (germline): Uncertain significance (1 of 4 stars; one submission).

Conditions:
Cardiovascular phenotype. Identifiers: MedGen CN230736.

Submission:

Ambry Genetics
Classification: Uncertain significance for Cardiovascular phenotype. Last evaluated: 2019-12-26. Review status: criteria provided, single submitter. Criteria: Ambry Variant Classification Scheme 2023. Collection method: clinical testing. Allele origin: germline.
Comment: The p.M3356I variant (also known as c.10068G>A), located in coding exon 69 of the DMD gene, results from a G to A substitution at nucleotide position 10068. The methionine at codon 3356 is replaced by isoleucine, an amino acid with highly similar properties. This amino acid position is highly conserved in available vertebrate species. In addition, this alteration is predicted to be deleterious by in silico analysis. Since supporting evidence is limited at this time, the clinical significance of this alteration remains unclear.